The following is an entry in ClinVar:

ClinVar aggregate classification (germline): Uncertain significance. Review status: criteria provided, multiple submitters, no conflicts (2 of 4 stars). 2 submissions from 2 submitters: Uncertain significance (2). Last evaluated 2025-12-13.

Conditions:
Hypertrophic cardiomyopathy 10. Also called: CARDIOMYOPATHY, HYPERTROPHIC, MID-LEFT VENTRICULAR CHAMBER TYPE, 2; MYL2-Related Familial Hypertrophic Cardiomyopathy. Identifiers: MedGen C1834460, MONDO:0012112, OMIM 608758.
Cardiovascular phenotype. Identifiers: MedGen CN230736.

Allele frequency attached by ClinVar (database versions not stated): TOPMed 0.00001; gnomAD 0.00001.
gnomAD v4.1: 1 of 1,613,260 alleles (0.000062%); highest among the groups gnomAD compares: African/African-American, 0.0013%; no homozygotes.

Submissions (2):

Labcorp Genetics (formerly Invitae), Labcorp
Classification: Uncertain significance for Hypertrophic cardiomyopathy 10. Last evaluated: 2025-12-13. Review status: criteria provided, single submitter. Criteria: Invitae Variant Classification Sherloc (09022015). Collection method: clinical testing. Allele origin: germline.
Comment: This sequence change replaces glycine, which is neutral and non-polar, with serine, which is neutral and polar, at codon 148 of the MYL2 protein (p.Gly148Ser). This variant is not present in population databases (gnomAD no frequency). This variant has not been reported in the literature in individuals affected with MYL2-related conditions. ClinVar contains an entry for this variant (Variation ID: 1740546). An algorithm developed to predict the effect of missense changes on protein structure and function (PolyPhen-2) suggests that this variant is likely to be disruptive. In summary, the available evidence is currently insufficient to determine the role of this variant in disease. Therefore, it has been classified as a Variant of Uncertain Significance.

Ambry Genetics
Classification: Uncertain significance for Cardiovascular phenotype. Last evaluated: 2025-12-03. Review status: criteria provided, single submitter. Criteria: Ambry Variant Classification Scheme 2023. Collection method: clinical testing. Allele origin: germline.

NM_000432.4(MYL2):c.442G>A (p.Gly148Ser)

Gene: MYL2 (myosin light chain 2; minus strand). Cytogenetic location: 12q24.11.
Variant type: single nucleotide variant.
Coding change: c.442G>A on transcript NM_000432.4 (MANE Select); coding-DNA position 442, G replaced by A.
Protein change: p.Gly148Ser; replaces glycine 148 with serine.
Molecular consequence: missense variant.
Genome position (GRCh38, 1-based): chr12:110,911,136, C>T on the plus strand (G>A on the coding strand, the complement: MYL2 is on the minus strand). VCF-style: chr12-110911136-C-T. GRCh37 (hg19) VCF-style: chr12-111348940-C-T.
Other names: c.400G>A, p.Gly134Ser (NM_001406745.1, NM_001406746.1); c.385G>A, p.Gly129Ser (NM_001406916.1); short protein forms G148S, G129S, G134S.
Identifiers: ClinVar variation 1740546 (VCV001740546.4), dbSNP rs1339155646, ClinGen allele CA386696871.